The following is an entry in ClinVar:

ClinVar aggregate classification (germline): Uncertain significance (1 of 4 stars; one submission).

Conditions:
Werner syndrome (WRN). Identifiers: Orphanet 902, MedGen C0043119, MONDO:0010196, OMIM 277700.

Allele frequency attached by ClinVar (database versions not stated): ExAC 0.00002; gnomAD exomes 0.00003.
gnomAD v4.1: 19 of 1,613,778 alleles (0.0012%); highest among the groups gnomAD compares: Non-Finnish European, 0.000085%; no homozygotes.

Submission:

Labcorp Genetics (formerly Invitae), Labcorp
Classification: Uncertain significance for Werner syndrome. Last evaluated: 2022-04-22. Review status: criteria provided, single submitter. Criteria: Invitae Variant Classification Sherloc (09022015). Collection method: clinical testing. Allele origin: germline.
Comment: This sequence change replaces methionine, which is neutral and non-polar, with valine, which is neutral and non-polar, at codon 262 of the WRN protein (p.Met262Val). This variant is present in population databases (rs781773383, gnomAD 0.03%). This variant has not been reported in the literature in individuals affected with WRN-related conditions. Algorithms developed to predict the effect of missense changes on protein structure and function output the following: SIFT: "Not Available"; PolyPhen-2: "Benign"; Align-GVGD: "Not Available". The valine amino acid residue is found in multiple mammalian species, which suggests that this missense change does not adversely affect protein function. In summary, the available evidence is currently insufficient to determine the role of this variant in disease. Therefore, it has been classified as a Variant of Uncertain Significance.

NM_000553.6(WRN):c.784A>G (p.Met262Val)

Gene: WRN (WRN RecQ like helicase; plus strand). Cytogenetic location: 8p12.
Variant type: single nucleotide variant.
Coding change: c.784A>G on transcript NM_000553.6 (MANE Select); coding-DNA position 784, A replaced by G.
Protein change: p.Met262Val; replaces methionine 262 with valine.
Molecular consequence: missense variant.
Genome position (GRCh38, 1-based): chr8:31,076,232, A>G. VCF-style: chr8-31076232-A-G. GRCh37 (hg19) VCF-style: chr8-30933748-A-G.
Other names: short protein forms M262V.
Identifiers: ClinVar variation 2160956 (VCV002160956.1), dbSNP rs781773383, ClinGen allele CA4704163.
Genomic context (GRCh38, chr8:31,076,232, plus strand): 5'-GAGGAAGAAATCCTACTTAGCGACATGAACAAACAGTTGACTTCAATCTCTGAGGAAGTG[A>G]TGGATCTGGCTAAGCATCTTCCTCATGCTTTCAGTAAATTGGAAAACCCACGGAGGTTAA-3'
Protein context (NP_000544.2, residues 252-272): KQLTSISEEV[Met262Val]DLAKHLPHAF